The following is an entry in ClinVar:

NM_004700.4(KCNQ4):c.1438C>T (p.Gln480Ter)

Gene: KCNQ4 (potassium voltage-gated channel subfamily Q member 4; plus strand). Cytogenetic location: 1p34.2.
Variant type: single nucleotide variant.
Coding change: c.1438C>T on transcript NM_004700.4 (MANE Select); coding-DNA position 1438, C replaced by T.
Protein change: p.Gln480Ter; replaces glutamine 480 with a stop codon.
Molecular consequence: nonsense.
Genome position (GRCh38, 1-based): chr1:40,831,229, C>T. VCF-style: chr1-40831229-C-T. GRCh37 (hg19) VCF-style: chr1-41296901-C-T.
Other names: c.1276C>T, p.Gln426Ter (NM_172163.3); short protein forms Q480*, Q426*.
Identifiers: ClinVar variation 944908 (VCV000944908.43), dbSNP rs1648636515, ClinGen allele CA339886695.

ClinVar aggregate classification (germline): Pathogenic/Likely pathogenic. Review status: criteria provided, multiple submitters, no conflicts (2 of 4 stars). 3 submissions from 3 submitters: Pathogenic (1); Likely pathogenic (2). Last evaluated 2023-04-11.

Conditions:
Autosomal dominant nonsyndromic hearing loss 2A. Also called: DFNA2 Nonsyndromic Hearing Loss; Deafness, autosomal dominant 2A; Autosomal dominant nonsyndromic deafness 2A. Identifiers: Orphanet 90635, MedGen C2677637, MONDO:0010817, OMIM 600101.

Submissions (3):

Genome-Nilou Lab
Classification: Likely pathogenic for Autosomal dominant nonsyndromic hearing loss 2A. Last evaluated: 2023-04-11. Review status: criteria provided, single submitter. Criteria: ACMG Guidelines, 2015. Collection method: clinical testing. Allele origin: germline. Affected: no.

CeGaT Center for Human Genetics Tuebingen
Classification: Likely pathogenic. Last evaluated: 2021-08-01. Review status: criteria provided, single submitter. Criteria: CeGaT Center For Human Genetics Tuebingen Variant Classification Criteria Version 2. Collection method: clinical testing. Allele origin: germline. Affected: yes. Observed: 1 variant allele.

Labcorp Genetics (formerly Invitae), Labcorp
Classification: Pathogenic. Last evaluated: 2019-07-13. Review status: criteria provided, single submitter. Criteria: Invitae Variant Classification Sherloc (09022015). Collection method: clinical testing. Allele origin: germline.
Comment: This variant is not present in population databases (ExAC no frequency). For these reasons, this variant has been classified as Pathogenic. Loss-of-function variants in KCNQ4 are known to be pathogenic (PMID: 23717403). This variant has not been reported in the literature in individuals with KCNQ4-related conditions. This sequence change creates a premature translational stop signal (p.Gln480*) in the KCNQ4 gene. It is expected to result in an absent or disrupted protein product.

Literature cited by the submitters: PubMed 23717403 (cited by Labcorp Genetics (formerly Invitae), Labcorp).